The following is an entry in ClinVar:

ClinVar aggregate classification (germline): Uncertain significance (1 of 4 stars; one submission).

Conditions:
Methylmalonic aciduria and homocystinuria type cblF. Also called: COBALAMIN F DISEASE; COBALAMIN, DEFECT IN LYSOSOMAL RELEASE OF; METHYLMALONIC ACIDEMIA AND HOMOCYSTINURIA, cblF TYPE; METHYLMALONIC ACIDURIA DUE TO VITAMIN B12-RELEASE DEFECT; VITAMIN B12 LYSOSOMAL RELEASE DEFECT; VITAMIN B12 STORAGE DISEASE. Identifiers: Orphanet 79284, MedGen C1848578, MONDO:0010183, OMIM 277380.

Allele frequency attached by ClinVar (database versions not stated): gnomAD exomes below 0.00001 and 0.00001; TOPMed below 0.00001; ExAC 0.00001; gnomAD 0.00001.
gnomAD v4.1: 5 of 1,613,718 alleles (0.00031%); highest among the groups gnomAD compares: East Asian, 0.0067%; no homozygotes.

Submission:

Labcorp Genetics (formerly Invitae), Labcorp
Classification: Uncertain significance for Methylmalonic aciduria and homocystinuria type cblF. Last evaluated: 2021-10-29. Review status: criteria provided, single submitter. Criteria: Invitae Variant Classification Sherloc (09022015). Collection method: clinical testing. Allele origin: germline.
Comment: This sequence change replaces isoleucine, which is neutral and non-polar, with valine, which is neutral and non-polar, at codon 56 of the LMBRD1 protein (p.Ile56Val). This variant is present in population databases (rs765308443, gnomAD 0.005%). This variant has not been reported in the literature in individuals affected with LMBRD1-related conditions. Algorithms developed to predict the effect of missense changes on protein structure and function output the following: SIFT: "Tolerated"; PolyPhen-2: "Benign"; Align-GVGD: "Class C0". The valine amino acid residue is found in multiple mammalian species, which suggests that this missense change does not adversely affect protein function. Algorithms developed to predict the effect of sequence changes on RNA splicing suggest that this variant may create or strengthen a splice site. In summary, the available evidence is currently insufficient to determine the role of this variant in disease. Therefore, it has been classified as a Variant of Uncertain Significance.

NM_018368.4(LMBRD1):c.166A>G (p.Ile56Val)

Gene: LMBRD1 (LMBR1 domain containing 1; minus strand). Cytogenetic location: 6q13.
Variant type: single nucleotide variant.
Coding change: c.166A>G on transcript NM_018368.4 (MANE Select); coding-DNA position 166, A replaced by G.
Protein change: p.Ile56Val; replaces isoleucine 56 with valine.
Molecular consequence: missense variant. On other transcripts: 5 prime UTR variant (3).
Genome position (GRCh38, 1-based): chr6:69,790,376, T>C on the plus strand (A>G on the coding strand, the complement: LMBRD1 is on the minus strand). VCF-style: chr6-69790376-T-C. GRCh37 (hg19) VCF-style: chr6-70500268-T-C.
Other names: c.-54A>G (NM_001363722.2, NM_001367271.1, NM_001367272.1); short protein forms I56V.
Identifiers: ClinVar variation 1446217 (VCV001446217.3), dbSNP rs765308443, ClinGen allele CA3879991.